The following is an entry in ClinVar:

ClinVar aggregate classification (germline): Uncertain significance. Review status: criteria provided, multiple submitters, no conflicts (2 of 4 stars). 5 submissions from 5 submitters: Uncertain significance (5). Last evaluated 2025-03-17.

Conditions:
Inborn genetic diseases. Identifiers: MedGen C0950123, MeSH D030342.
Nephronophthisis. Also called: Juvenile Nephronophthisis. Identifiers: Orphanet 655, MedGen C0687120, MONDO:0019005, HP:0000090.
Infantile nephronophthisis (NPHP2). Also called: Nephronophthisis 2; Nephronophthisis 2, infantile. Identifiers: Orphanet 655, Orphanet 93591, MedGen C1865872, MONDO:0011190, OMIM 602088.

Allele frequency attached by ClinVar (database versions not stated): ExAC 0.00002; gnomAD exomes 0.00003 and 0.00004; gnomAD 0.00007 and 0.00008; TOPMed 0.00008; ESP Exome Variant Server 0.00023.
gnomAD v4.1: 72 of 1,614,060 alleles (0.0045%); highest among the groups gnomAD compares: African/African-American, 0.024%; no homozygotes.

Submissions (5):

Labcorp Genetics (formerly Invitae), Labcorp
Classification: Uncertain significance for Nephronophthisis. Last evaluated: 2025-03-17. Review status: criteria provided, single submitter. Criteria: Invitae Variant Classification Sherloc (09022015). Collection method: clinical testing. Allele origin: germline.
Comment: This sequence change replaces arginine, which is basic and polar, with tryptophan, which is neutral and slightly polar, at codon 779 of the INVS protein (p.Arg779Trp). This variant is present in population databases (rs370643191, gnomAD 0.02%). This variant has not been reported in the literature in individuals affected with INVS-related conditions. ClinVar contains an entry for this variant (Variation ID: 364230). An algorithm developed to predict the effect of missense changes on protein structure and function (PolyPhen-2) suggests that this variant is likely to be tolerated. In summary, the available evidence is currently insufficient to determine the role of this variant in disease. Therefore, it has been classified as a Variant of Uncertain Significance.

Ambry Genetics
Classification: Uncertain significance for Inborn genetic diseases. Last evaluated: 2024-07-02. Review status: criteria provided, single submitter. Criteria: Ambry Variant Classification Scheme 2023. Collection method: clinical testing. Allele origin: germline.

Blueprint Genetics
Classification: Uncertain significance. Last evaluated: 2022-09-16. Review status: criteria provided, single submitter. Criteria: ACMG Guidelines, 2015. Collection method: clinical testing. Allele origin: germline.

Fulgent Genetics
Classification: Uncertain significance for Infantile nephronophthisis. Last evaluated: 2022-01-18. Review status: criteria provided, single submitter. Criteria: ACMG Guidelines, 2015. Collection method: clinical testing. Allele origin: unknown.

Eurofins Ntd Llc (ga)
Classification: Uncertain significance. Last evaluated: 2018-03-01. Review status: criteria provided, single submitter. Criteria: EGL ClinVar v180209 classification definitions. Collection method: clinical testing. Allele origin: germline. Observed: 3 variant alleles, 3 heterozygotes.

NM_014425.5(INVS):c.2335C>T (p.Arg779Trp)

Gene: INVS (inversin; plus strand). Cytogenetic location: 9q31.1.
Variant type: single nucleotide variant.
Coding change: c.2335C>T on transcript NM_014425.5 (MANE Select); coding-DNA position 2335, C replaced by T.
Protein change: p.Arg779Trp; replaces arginine 779 with tryptophan.
Molecular consequence: missense variant. On other transcripts: non-coding transcript variant (1).
Genome position (GRCh38, 1-based): chr9:100,292,592, C>T. VCF-style: chr9-100292592-C-T. GRCh37 (hg19) VCF-style: chr9-103054874-C-T.
Other names: c.2335C>T (NM_014425.2); c.2047C>T, p.Arg683Trp (NM_001318381.2); c.1357C>T, p.Arg453Trp (NM_001318382.2); short protein forms R779W, R453W, R683W.
Identifiers: ClinVar variation 364230 (VCV000364230.17), dbSNP rs370643191, ClinGen allele CA5158601.
Genomic context (GRCh38, chr9:100,292,592, plus strand): 5'-GACTCCAGGCGGGCAGCTGCAAGCCTTCCACCGCACGATAGCCACTGGAAGCCCAGCAGG[C>T]GGCATGACACAGAACCCAAGGCCAAATGTGCCCCCCAGAAAAGGCGCACTCAAGAGCTCA-3'
Protein context (NP_055240.2, residues 769-789): PHDSHWKPSR[Arg779Trp]HDTEPKAKCA